The following is an entry in ClinVar:

ClinVar aggregate classification (germline): Pathogenic (1 of 4 stars; one submission).

Conditions:
Dystonic disorder. Also called: Dystonia. Identifiers: MedGen C0013421, MONDO:0003441, HP:0001332.

Submission:

Labcorp Genetics (formerly Invitae), Labcorp
Classification: Pathogenic for Dystonic disorder. Last evaluated: 2024-02-02. Review status: criteria provided, single submitter. Criteria: Invitae Variant Classification Sherloc (09022015). Collection method: clinical testing. Allele origin: germline.
Comment: This sequence change creates a premature translational stop signal (p.Gln207*) in the SPR gene. While this is not anticipated to result in nonsense mediated decay, it is expected to disrupt the last 55 amino acid(s) of the SPR protein. This variant is not present in population databases (gnomAD no frequency). This variant has not been reported in the literature in individuals affected with SPR-related conditions. This variant disrupts a region of the SPR protein in which other variant(s) (p.Lys251*) have been determined to be pathogenic (PMID: 16917893, 18502672, 21431957, 21677200, 24212389, 25763508, 29116116). This suggests that this is a clinically significant region of the protein, and that variants that disrupt it are likely to be disease-causing. For these reasons, this variant has been classified as Pathogenic.

Literature cited by the submitters: PubMed 16917893; PubMed 18502672; PubMed 21431957; PubMed 21677200; PubMed 24212389; PubMed 25763508; PubMed 29116116.

NM_003124.5(SPR):c.619C>T (p.Gln207Ter)

Gene: SPR (sepiapterin reductase; plus strand). Cytogenetic location: 2p13.2.
Variant type: single nucleotide variant.
Coding change: c.619C>T on transcript NM_003124.5 (MANE Select); coding-DNA position 619, C replaced by T.
Protein change: p.Gln207Ter; replaces glutamine 207 with a stop codon.
Molecular consequence: nonsense.
Genome position (GRCh38, 1-based): chr2:72,891,370, C>T. VCF-style: chr2-72891370-C-T. GRCh37 (hg19) VCF-style: chr2-73118499-C-T.
Other names: short protein forms Q207*.
Identifiers: ClinVar variation 3617711 (VCV003617711.2).